The following is an entry in ClinVar:

ClinVar aggregate classification (germline): Uncertain significance (1 of 4 stars; one submission).

Submission:

GeneDx
Classification: Uncertain significance. Last evaluated: 2024-05-30. Review status: criteria provided, single submitter. Criteria: GeneDx Variant Classification Process June 2021. Collection method: clinical testing. Allele origin: germline. Affected: yes.
Comment: Not observed at significant frequency in large population cohorts (gnomAD); In silico analysis indicates that this missense variant does not alter protein structure/function; Has not been previously published as pathogenic or benign to our knowledge

NM_019066.5(MAGEL2):c.577C>A (p.Pro193Thr)

Gene: MAGEL2 (MAGE family member L2; minus strand). Cytogenetic location: 15q11.2.
Variant type: single nucleotide variant.
Coding change: c.577C>A on transcript NM_019066.5 (MANE Select); coding-DNA position 577, C replaced by A.
Protein change: p.Pro193Thr; replaces proline 193 with threonine.
Molecular consequence: missense variant.
Genome position (GRCh38, 1-based): chr15:23,647,166, G>T on the plus strand (C>A on the coding strand, the complement: MAGEL2 is on the minus strand). VCF-style: chr15-23647166-G-T. GRCh37 (hg19) VCF-style: chr15-23892313-G-T.
Other names: short protein forms P193T.
Identifiers: ClinVar variation 3390676 (VCV003390676.1).